The following is an entry in ClinVar:

ClinVar aggregate classification (germline): Uncertain significance. Review status: criteria provided, multiple submitters, no conflicts (2 of 4 stars). 2 submissions from 2 submitters: Uncertain significance (2). Last evaluated 2022-12-27.

Conditions:
Distal hereditary motor neuropathy type 2. Identifiers: Orphanet 139525, MedGen C3711384, MeSH C580044, MONDO:0015352.

Allele frequency attached by ClinVar (database versions not stated): gnomAD exomes 0.00001; TOPMed 0.00001; ExAC 0.00002; gnomAD 0.00002; ESP Exome Variant Server 0.00015.
gnomAD v4.1: 12 of 1,614,060 alleles (0.00074%); highest among the groups gnomAD compares: Non-Finnish European, 0.000085%; no homozygotes.

Submissions (2):

GeneDx
Classification: Uncertain significance. Last evaluated: 2022-12-27. Review status: criteria provided, single submitter. Criteria: GeneDx Variant Classification Process June 2021. Collection method: clinical testing. Allele origin: germline. Affected: yes.
Comment: Variants in candidate genes are classified as variants of uncertain significance in accordance with ACMG guidelines (Richards et al., 2015); In silico analysis supports that this missense variant does not alter protein structure/function; Has not been previously published as pathogenic or benign to our knowledge

Labcorp Genetics (formerly Invitae), Labcorp
Classification: Uncertain significance for Distal hereditary motor neuropathy type 2. Last evaluated: 2020-03-11. Review status: criteria provided, single submitter. Criteria: Invitae Variant Classification Sherloc (09022015). Collection method: clinical testing. Allele origin: germline.
Comment: This sequence change replaces aspartic acid with valine at codon 745 of the FBXO38 protein (p.Asp745Val). The aspartic acid residue is moderately conserved and there is a large physicochemical difference between aspartic acid and valine. This variant is present in population databases (rs145266253, ExAC 0.005%). This variant has not been reported in the literature in individuals with FBXO38-related disease. Algorithms developed to predict the effect of missense changes on protein structure and function are either unavailable or do not agree on the potential impact of this missense change (SIFT: "Deleterious"; PolyPhen-2: "Benign"; Align-GVGD: "Class C0"). In summary, the available evidence is currently insufficient to determine the role of this variant in disease. Therefore, it has been classified as a Variant of Uncertain Significance.

NM_205836.3(FBXO38):c.2234A>T (p.Asp745Val)

Gene: FBXO38 (F-box protein 38; plus strand). Cytogenetic location: 5q32.
Variant type: single nucleotide variant.
Coding change: c.2234A>T on transcript NM_205836.3 (MANE Select); coding-DNA position 2234, A replaced by T.
Protein change: p.Asp745Val; replaces aspartic acid 745 with valine.
Molecular consequence: missense variant. On other transcripts: intron variant (1).
Genome position (GRCh38, 1-based): chr5:148,427,528, A>T. VCF-style: chr5-148427528-A-T. GRCh37 (hg19) VCF-style: chr5-147807091-A-T.
Other names: c.2234A>T, p.Asp745Val (NM_030793.5); c.1918+1827A>T (NM_001271723.2); short protein forms D745V.
Identifiers: ClinVar variation 647829 (VCV000647829.11), dbSNP rs145266253, ClinGen allele CA3497478.